The following is an entry in ClinVar:

NM_001101362.3(KBTBD13):c.541G>T (p.Asp181Tyr)

Gene: KBTBD13 (kelch repeat and BTB domain containing 13; plus strand). Cytogenetic location: 15q22.31.
Variant type: single nucleotide variant.
Coding change: c.541G>T on transcript NM_001101362.3 (MANE Select); coding-DNA position 541, G replaced by T.
Protein change: p.Asp181Tyr; replaces aspartic acid 181 with tyrosine.
Molecular consequence: missense variant.
Genome position (GRCh38, 1-based): chr15:65,077,356, G>T. VCF-style: chr15-65077356-G-T. GRCh37 (hg19) VCF-style: chr15-65369694-G-T.
Other names: short protein forms D181Y.
Identifiers: ClinVar variation 2728107 (VCV002728107.5), dbSNP rs552314280, ClinGen allele CA7613938.

ClinVar aggregate classification (germline): Uncertain significance. Review status: criteria provided, multiple submitters, no conflicts (2 of 4 stars). 3 submissions from 3 submitters: Uncertain significance (3). Last evaluated 2026-01-11.

Conditions:
Inborn genetic diseases. Identifiers: MedGen C0950123, MeSH D030342.
Nemaline myopathy 6 (NEM6). Also called: Nemaline myopathy 6, autosomal dominant. Identifiers: Orphanet 171439, MedGen C1836472, MONDO:0012237, OMIM 609273.

Allele frequency attached by ClinVar (database versions not stated): gnomAD 0.00001; 1000 Genomes Project 0.00020; TOPMed below 0.00001; 1000 Genomes Project 30x 0.00016.

Submissions (3):

Labcorp Genetics (formerly Invitae), Labcorp
Classification: Uncertain significance for Nemaline myopathy 6. Last evaluated: 2026-01-11. Review status: criteria provided, single submitter. Criteria: Invitae Variant Classification Sherloc (09022015). Collection method: clinical testing. Allele origin: germline.
Comment: This sequence change replaces aspartic acid, which is acidic and polar, with tyrosine, which is neutral and polar, at codon 181 of the KBTBD13 protein (p.Asp181Tyr). This variant is present in population databases (rs552314280, gnomAD 0.01%). This variant has not been reported in the literature in individuals affected with KBTBD13-related conditions. ClinVar contains an entry for this variant (Variation ID: 2728107). Invitae Evidence Modeling of protein sequence and biophysical properties (such as structural, functional, and spatial information, amino acid conservation, physicochemical variation, residue mobility, and thermodynamic stability) indicates that this missense variant is expected to disrupt KBTBD13 protein function with a positive predictive value of 80%. In summary, the available evidence is currently insufficient to determine the role of this variant in disease. Therefore, it has been classified as a Variant of Uncertain Significance.

Ambry Genetics
Classification: Uncertain significance for Inborn genetic diseases. Last evaluated: 2025-10-29. Review status: criteria provided, single submitter. Criteria: Ambry Variant Classification Scheme 2023. Collection method: clinical testing. Allele origin: germline.

Revvity Omics, Revvity
Classification: Uncertain significance for Nemaline myopathy 6. Last evaluated: 2024-04-01. Review status: criteria provided, single submitter. Criteria: ACMG Guidelines, 2015. Collection method: clinical testing. Allele origin: germline.